The following is an entry in ClinVar:

NM_004260.4(RECQL4):c.3430C>G (p.Arg1144Gly)

Gene: RECQL4 (RecQ like helicase 4; minus strand). Cytogenetic location: 8q24.3.
Variant type: single nucleotide variant.
Coding change: c.3430C>G on transcript NM_004260.4 (MANE Select); coding-DNA position 3430, C replaced by G.
Protein change: p.Arg1144Gly; replaces arginine 1144 with glycine.
Molecular consequence: missense variant. On other transcripts: non-coding transcript variant (3).
Genome position (GRCh38, 1-based): chr8:144,511,753, G>C on the plus strand (C>G on the coding strand, the complement: RECQL4 is on the minus strand). VCF-style: chr8-144511753-G-C. GRCh37 (hg19) VCF-style: chr8-145737136-G-C.
Other names: c.3136C>G, p.Arg1046Gly (NM_001413017.1); c.3232C>G, p.Arg1078Gly (NM_001413018.1); c.3505C>G, p.Arg1169Gly (NM_001413019.1); c.3334C>G, p.Arg1112Gly (NM_001413020.1); c.2359C>G, p.Arg787Gly (NM_001413021.1, NM_001413022.1, NM_001413024.1 and 4 more transcripts); c.2434C>G, p.Arg812Gly (NM_001413023.1); c.3301C>G, p.Arg1101Gly (NM_001413025.1); c.2293C>G, p.Arg765Gly (NM_001413027.1, NM_001413030.1, NM_001413032.1); and 10 more; short protein forms R1078G, R1169G, R787G, R790G, R1112G, R1147G, R743G, R812G.
Identifiers: ClinVar variation 2750801 (VCV002750801.4), dbSNP rs202134651, ClinGen allele CA372667285.
Genomic context (GRCh38, chr8:144,511,753, plus strand): 5'-AGATGCGGGCCACAGCCCTGCTGGAGAACTTCTCCTCTGGCCTCAGGGACAGGAACTGGC[G>C]GATGTCGCAGCGGACCTGGTCCTCCCAATCCTGGAGCTGTGTGGACAGGCACATCAGGCT-3'
Protein context (NP_004251.4, residues 1134-1154): DWEDQVRCDI[Arg1144Gly]QFLSLRPEEK

ClinVar aggregate classification (germline): Uncertain significance. Review status: criteria provided, multiple submitters, no conflicts (2 of 4 stars). 2 submissions from 2 submitters: Uncertain significance (2). Last evaluated 2025-01-18.

Conditions:
Baller-Gerold syndrome (BGS). Also called: CRANIOSYNOSTOSIS WITH RADIAL DEFECTS. Identifiers: Orphanet 1225, MedGen C0265308, MONDO:0009039, OMIM 218600.
Inborn genetic diseases. Identifiers: MedGen C0950123, MeSH D030342.

Submissions (2):

Ambry Genetics
Classification: Uncertain significance for Inborn genetic diseases. Last evaluated: 2025-01-18. Review status: criteria provided, single submitter. Criteria: Ambry Variant Classification Scheme 2023. Collection method: clinical testing. Allele origin: germline.
Comment: The p.R1144G variant (also known as c.3430C>G), located in coding exon 20 of the RECQL4 gene, results from a C to G substitution at nucleotide position 3430. The arginine at codon 1144 is replaced by glycine, an amino acid with dissimilar properties. This amino acid position is conserved. In addition, the in silico prediction for this alteration is inconclusive. Based on the available evidence, the clinical significance of this variant remains unclear.

Labcorp Genetics (formerly Invitae), Labcorp
Classification: Uncertain significance for Baller-Gerold syndrome. Last evaluated: 2023-08-07. Review status: criteria provided, single submitter. Criteria: Invitae Variant Classification Sherloc (09022015). Collection method: clinical testing. Allele origin: germline.
Comment: Advanced modeling of protein sequence and biophysical properties (such as structural, functional, and spatial information, amino acid conservation, physicochemical variation, residue mobility, and thermodynamic stability) performed at Invitae indicates that this missense variant is expected to disrupt RECQL4 protein function. In summary, the available evidence is currently insufficient to determine the role of this variant in disease. Therefore, it has been classified as a Variant of Uncertain Significance. This variant has not been reported in the literature in individuals affected with RECQL4-related conditions. This variant is not present in population databases (gnomAD no frequency). This sequence change replaces arginine, which is basic and polar, with glycine, which is neutral and non-polar, at codon 1144 of the RECQL4 protein (p.Arg1144Gly).